The following is an entry in ClinVar:

NM_175875.5(SIX5):c.1097G>A (p.Gly366Asp)

Genes: SIX5 (SIX homeobox 5; minus strand), LOC107075317 (origin of replication in DMPK trinucleotide repeat region; plus strand). Cytogenetic location: 19q13.32.
Variant type: single nucleotide variant.
Coding change: c.1097G>A on transcript NM_175875.5 (MANE Select); coding-DNA position 1097, G replaced by A.
Protein change: p.Gly366Asp; replaces glycine 366 with aspartic acid.
Molecular consequence: missense variant.
Genome position (GRCh38, 1-based): chr19:45,766,862, C>T on the plus strand (G>A on the coding strand, the complement: SIX5 is on the minus strand). VCF-style: chr19-45766862-C-T. GRCh37 (hg19) VCF-style: chr19-46270120-C-T.
Other names: short protein forms G366D.
Identifiers: ClinVar variation 4694371 (VCV004694371.1).

ClinVar aggregate classification (germline): Uncertain significance (1 of 4 stars; one submission).

Submission:

Labcorp Genetics (formerly Invitae), Labcorp
Classification: Uncertain significance. Last evaluated: 2025-05-15. Review status: criteria provided, single submitter. Criteria: Invitae Variant Classification Sherloc (09022015). Collection method: clinical testing. Allele origin: germline.
Comment: This sequence change replaces glycine, which is neutral and non-polar, with aspartic acid, which is acidic and polar, at codon 366 of the SIX5 protein (p.Gly366Asp). The frequency data for this variant in the population databases is considered unreliable, as metrics indicate poor data quality at this position in the gnomAD database. This variant has not been reported in the literature in individuals affected with SIX5-related conditions. Invitae Evidence Modeling of protein sequence and biophysical properties (such as structural, functional, and spatial information, amino acid conservation, physicochemical variation, residue mobility, and thermodynamic stability) indicates that this missense variant is not expected to disrupt SIX5 protein function with a negative predictive value of 80%. In summary, the available evidence is currently insufficient to determine the role of this variant in disease. Therefore, it has been classified as a Variant of Uncertain Significance.